The following is an entry in ClinVar:

ClinVar aggregate classification (germline): Uncertain significance (1 of 4 stars; one submission).

Submission:

Labcorp Genetics (formerly Invitae), Labcorp
Classification: Uncertain significance. Last evaluated: 2025-12-29. Review status: criteria provided, single submitter. Criteria: Invitae Variant Classification Sherloc (09022015). Collection method: clinical testing. Allele origin: germline.
Comment: This sequence change replaces glutamic acid, which is acidic and polar, with lysine, which is basic and polar, at codon 96 of the TGFB1 protein (p.Glu96Lys). This variant is present in population databases (rs200512008, gnomAD 0.0009%). This variant has not been reported in the literature in individuals affected with TGFB1-related conditions. ClinVar contains an entry for this variant (Variation ID: 3612803). An algorithm developed to predict the effect of missense changes on protein structure and function (PolyPhen-2) suggests that this variant is likely to be tolerated. In summary, the available evidence is currently insufficient to determine the role of this variant in disease. Therefore, it has been classified as a Variant of Uncertain Significance.

NM_000660.7(TGFB1):c.286G>A (p.Glu96Lys)

Genes: TGFB1 (transforming growth factor beta 1; minus strand), LOC130064510 (ATAC-STARR-seq lymphoblastoid silent region 10661; plus strand). Cytogenetic location: 19q13.2.
Variant type: single nucleotide variant.
Coding change: c.286G>A on transcript NM_000660.7 (MANE Select); coding-DNA position 286, G replaced by A.
Protein change: p.Glu96Lys; replaces glutamic acid 96 with lysine.
Molecular consequence: missense variant.
Genome position (GRCh38, 1-based): chr19:41,352,759, C>T on the plus strand (G>A on the coding strand, the complement: TGFB1 is on the minus strand). VCF-style: chr19-41352759-C-T. GRCh37 (hg19) VCF-style: chr19-41858664-C-T.
Other names: short protein forms E96K.
Identifiers: ClinVar variation 3612803 (VCV003612803.2).